The following is an entry in ClinVar:

ClinVar aggregate classification (germline): Uncertain significance (1 of 4 stars; one submission).

Submission:

GeneDx
Classification: Uncertain significance. Last evaluated: 2024-02-05. Review status: criteria provided, single submitter. Criteria: GeneDx Variant Classification Process June 2021. Collection method: clinical testing. Allele origin: germline. Affected: yes.
Comment: Not observed at significant frequency in large population cohorts (gnomAD); In silico analysis supports that this missense variant has a deleterious effect on protein structure/function; Has not been previously published as pathogenic or benign to our knowledge

NM_005618.4(DLL1):c.75C>G (p.Phe25Leu)

Gene: DLL1 (delta like canonical Notch ligand 1; minus strand). Cytogenetic location: 6q27.
Variant type: single nucleotide variant.
Coding change: c.75C>G on transcript NM_005618.4 (MANE Select); coding-DNA position 75, C replaced by G.
Protein change: p.Phe25Leu; replaces phenylalanine 25 with leucine.
Molecular consequence: missense variant.
Genome position (GRCh38, 1-based): chr6:170,289,788, G>C on the plus strand (C>G on the coding strand, the complement: DLL1 is on the minus strand). VCF-style: chr6-170289788-G-C. GRCh37 (hg19) VCF-style: chr6-170598876-G-C.
Other names: short protein forms F25L.
Identifiers: ClinVar variation 3368668 (VCV003368668.1).